The following is an entry in ClinVar:

NM_001369268.1(ACAN):c.199G>A (p.Ala67Thr)

Gene: ACAN (aggrecan; plus strand). Cytogenetic location: 15q26.1.
Variant type: single nucleotide variant.
Coding change: c.199G>A on transcript NM_001369268.1 (MANE Select); coding-DNA position 199, G replaced by A.
Protein change: p.Ala67Thr; replaces alanine 67 with threonine.
Molecular consequence: missense variant.
Genome position (GRCh38, 1-based): chr15:88,838,791, G>A. VCF-style: chr15-88838791-G-A. GRCh37 (hg19) VCF-style: chr15-89382022-G-A.
Other names: c.199G>A, p.Ala67Thr (NM_001135.4, NM_013227.4); short protein forms A67T.
Identifiers: ClinVar variation 452086 (VCV000452086.12), dbSNP rs182894280, ClinGen allele CA7719168.

ClinVar aggregate classification (germline): Conflicting classifications of pathogenicity. Review status: criteria provided, conflicting classifications (1 of 4 stars). 4 submissions from 4 submitters: Uncertain significance (2); Likely benign (2). Last evaluated 2026-03-02.

Conditions:
ACAN-related disorder. Also called: ACAN-related disorders; ACAN-related condition.

Allele frequency attached by ClinVar (database versions not stated): ExAC 0.00125; ESP Exome Variant Server 0.00129; TOPMed 0.00130; gnomAD 0.00133 and 0.00135; gnomAD exomes 0.00135 and 0.00167; 1000 Genomes Project 0.00100; 1000 Genomes Project 30x 0.00125.
gnomAD v4.1: 2,603 of 1,613,870 alleles (0.16%); highest among the groups gnomAD compares: Non-Finnish European, 0.2%; no homozygotes.

Submissions (4):

Women's Health and Genetics/Laboratory Corporation of America, LabCorp
Classification: Uncertain significance. Last evaluated: 2026-03-02. Review status: criteria provided, single submitter. Criteria: LabCorp Variant Classification Summary - May 2015. Collection method: clinical testing. Allele origin: germline.
Comment: Variant summary: ACAN c.199G>A (p.Ala67Thr) results in a non-conservative amino acid change in the encoded protein sequence. Algorithms developed to predict the effect of missense changes on protein structure and function are either unavailable or do not agree on the potential impact of this missense change. The variant allele was found at a frequency of 0.0013 in 249218 control chromosomes. This frequency is not significantly higher than estimated for disease-causing variants in ACAN, allowing no conclusion about variant significance. To our knowledge, no occurrence of c.199G>A in individuals affected with ACAN-related conditions and no experimental evidence demonstrating its impact on protein function have been reported. ClinVar contains an entry for this variant (Variation ID: 452086). Based on the evidence outlined above, the variant was classified as uncertain significance.

Labcorp Genetics (formerly Invitae), Labcorp
Classification: Likely benign. Last evaluated: 2026-01-29. Review status: criteria provided, single submitter. Criteria: Invitae Variant Classification Sherloc (09022015). Collection method: clinical testing. Allele origin: germline.

PreventionGenetics, part of Exact Sciences
Classification: Likely benign for ACAN-related condition. Last evaluated: 2025-08-22. Review status: criteria provided, single submitter. Criteria: ACMG Guidelines, 2015. Collection method: clinical testing. Allele origin: germline.
Comment: This variant is classified as likely benign based on ACMG/AMP sequence variant interpretation guidelines (Richards et al. 2015 PMID: 25741868, with internal and published modifications).

GeneDx
Classification: Uncertain significance. Last evaluated: 2017-09-25. Review status: criteria provided, single submitter. Criteria: GeneDx Variant Classification (06012015). Collection method: clinical testing. Allele origin: germline. Affected: yes.
Comment: The A67T variant in the ACAN gene has not been reported previously as a pathogenic variant, nor as a benign variant, to our knowledge. The A67T variant is observed in 284/126674 (0.22%) alleles from individuals of European (Non-Finnish) background, in large population cohorts (Lek et al., 2016). The A67T variant is a non-conservative amino acid substitution, which is likely to impact secondary protein structure as these residues differ in polarity, charge, size and/or other properties. This substitution occurs at a position that is not conserved. In silico analysis is inconsistent in its predictions as to whether or not the variant is damaging to the protein structure/function. We interpret A67T as a variant of uncertain significance.